The following is an entry in ClinVar:

NM_152424.4(AMER1):c.1274A>G (p.Tyr425Cys)

Gene: AMER1 (APC membrane recruitment protein 1; minus strand). Cytogenetic location: Xq11.2.
Variant type: single nucleotide variant.
Coding change: c.1274A>G on transcript NM_152424.4 (MANE Select); coding-DNA position 1274, A replaced by G.
Protein change: p.Tyr425Cys; replaces tyrosine 425 with cysteine.
Molecular consequence: missense variant.
Genome position (GRCh38, 1-based): chrX:64,192,013, T>C on the plus strand (A>G on the coding strand, the complement: AMER1 is on the minus strand). VCF-style: chrX-64192013-T-C. GRCh37 (hg19) VCF-style: chrX-63411893-T-C.
Other names: short protein forms Y425C.
Identifiers: ClinVar variation 2503184 (VCV002503184.2), dbSNP rs1930257684, ClinGen allele CA413308092.
Genomic context (GRCh38, chrX:64,192,013, plus strand): 5'-TAAGACCTAACTGGGTCAAGGAGCATGTAGCCGTGGTGGCCTGGGGATGTGGTGGGATGG[T>C]AGCCCAGGTTCATATTGGGCCGTGGATACATTTGGGCAGTTTCCCACAGATATTCTAAGT-3'
Protein context (NP_689637.3, residues 415-435): MYPRPNMNLG[Tyr425Cys]HPTTSPGHHG

ClinVar aggregate classification (germline): Uncertain significance. Review status: criteria provided, multiple submitters, no conflicts (2 of 4 stars). 2 submissions from 2 submitters: Uncertain significance (2). Last evaluated 2025-06-24.

Submissions (2):

Labcorp Genetics (formerly Invitae), Labcorp
Classification: Uncertain significance. Last evaluated: 2025-06-24. Review status: criteria provided, single submitter. Criteria: Invitae Variant Classification Sherloc (09022015). Collection method: clinical testing. Allele origin: germline.
Comment: This sequence change replaces tyrosine, which is neutral and polar, with cysteine, which is neutral and slightly polar, at codon 425 of the AMER1 protein (p.Tyr425Cys). This variant is not present in population databases (gnomAD no frequency). This variant has not been reported in the literature in individuals affected with AMER1-related conditions. ClinVar contains an entry for this variant (Variation ID: 2503184). An algorithm developed to predict the effect of missense changes on protein structure and function (PolyPhen-2) suggests that this variant is likely to be disruptive. In summary, the available evidence is currently insufficient to determine the role of this variant in disease. Therefore, it has been classified as a Variant of Uncertain Significance.

GeneDx
Classification: Uncertain significance. Last evaluated: 2022-11-23. Review status: criteria provided, single submitter. Criteria: GeneDx Variant Classification Process June 2021. Collection method: clinical testing. Allele origin: germline. Affected: yes.
Comment: Not observed at significant frequency in large population cohorts (gnomAD); In silico analysis supports that this missense variant does not alter protein structure/function; Has not been previously published as pathogenic or benign to our knowledge